The following is an entry in ClinVar:

ClinVar aggregate classification (germline): Uncertain significance. Review status: criteria provided, multiple submitters, no conflicts (2 of 4 stars). 2 submissions from 2 submitters: Uncertain significance (2). Last evaluated 2025-06-05.

Conditions:
SLC45A2-related disorder. Also called: SLC45A2-related condition.
Inborn genetic diseases. Identifiers: MedGen C0950123, MeSH D030342.

gnomAD v4.1: 1 of 1,614,228 alleles (0.000062%); highest among the groups gnomAD compares: Non-Finnish European, 0.000085%; no homozygotes.

Submissions (2):

PreventionGenetics, part of Exact Sciences
Classification: Uncertain significance for SLC45A2-related condition. Last evaluated: 2025-06-05. Review status: criteria provided, single submitter. Criteria: ACMG Guidelines, 2015. Collection method: clinical testing. Allele origin: germline.
Comment: The SLC45A2 c.1310C>G variant is predicted to result in the amino acid substitution p.Thr437Ser. To our knowledge, this variant has not been reported in the literature. An alternate substitution of this amino acid residue (p.Thr437Ala) has been reported in the compound heterozygous state in an individual with oculocutaneous albinism (Inagaki et al. 2006. PubMed ID: 16965274). This variant is absent in a large population database (gnomAD), indicating this variant is rare. Although we suspect that this variant may be pathogenic, at this time, the clinical significance of this variant is uncertain due to the absence of conclusive functional and genetic evidence.

Ambry Genetics
Classification: Uncertain significance for Inborn genetic diseases. Last evaluated: 2025-01-18. Review status: criteria provided, single submitter. Criteria: Ambry Variant Classification Scheme 2023. Collection method: clinical testing. Allele origin: germline.

NM_016180.5(SLC45A2):c.1310C>G (p.Thr437Ser)

Gene: SLC45A2 (solute carrier family 45 member 2; minus strand). Cytogenetic location: 5p13.2.
Variant type: single nucleotide variant.
Coding change: c.1310C>G on transcript NM_016180.5 (MANE Select); coding-DNA position 1310, C replaced by G.
Protein change: p.Thr437Ser; replaces threonine 437 with serine.
Molecular consequence: missense variant.
Genome position (GRCh38, 1-based): chr5:33,947,221, G>C on the plus strand (C>G on the coding strand, the complement: SLC45A2 is on the minus strand). VCF-style: chr5-33947221-G-C. GRCh37 (hg19) VCF-style: chr5-33947326-G-C.
Other names: c.1310C>G, p.Thr437Ser (NM_001012509.4); c.1310C>G (NM_016180.4); short protein forms T437S.
Identifiers: ClinVar variation 3797888 (VCV003797888.2).
Genomic context (GRCh38, chr5:33,947,221, plus strand): 5'-ACCTCCTTTTCTTCCTCGCGGTGGTACTCAGTAATGAGGTTAAAGGGCACAGTGTACAGG[G>C]TGCTGGACATTACACCAAACAGGCTGCACAGGACCAGGGTGGAGTAGACATTCGGGAAGA-3'
Protein context (NP_057264.4, residues 427-447): LCSLFGVMSS[Thr437Ser]LYTVPFNLIT